The following is an entry in ClinVar:

NM_001166108.2(PALLD):c.2864C>T (p.Pro955Leu)

Genes: CBR4 (carbonyl reductase 4; minus strand), PALLD (palladin, cytoskeletal associated protein; plus strand). Cytogenetic location: 4q32.3.
Variant type: single nucleotide variant.
Coding change: c.2864C>T on transcript NM_001166108.2 (MANE Select); coding-DNA position 2864, C replaced by T.
Protein change: p.Pro955Leu; replaces proline 955 with leucine.
Molecular consequence: missense variant.
Genome position (GRCh38, 1-based): chr4:168,921,547, C>T. VCF-style: chr4-168921547-C-T. GRCh37 (hg19) VCF-style: chr4-169842698-C-T.
Other names: c.1667C>T, p.Pro556Leu (NM_001166109.2); c.1352C>T, p.Pro451Leu (NM_001166110.2); c.692C>T, p.Pro231Leu (NM_001367567.1, NM_001367569.1); c.743C>T, p.Pro248Leu (NM_001367568.1, NM_001367570.1); c.2813C>T, p.Pro938Leu (NM_016081.4); c.2813C>T (NM_016081.3); short protein forms P231L, P248L, P451L, P556L, P938L, P955L.
Identifiers: ClinVar variation 1062968 (VCV001062968.10), dbSNP rs2126493927, ClinGen allele CA358708291.

ClinVar aggregate classification (germline): Uncertain significance. Review status: criteria provided, multiple submitters, no conflicts (2 of 4 stars). 2 submissions from 2 submitters: Uncertain significance (2). Last evaluated 2023-12-14.

Conditions:
Pancreatic adenocarcinoma. Identifiers: MedGen C0281361, MONDO:0006047, HP:0006725.

Submissions (2):

Ambry Genetics
Classification: Uncertain significance. Last evaluated: 2023-12-14. Review status: criteria provided, single submitter. Criteria: Ambry Variant Classification Scheme 2023. Collection method: clinical testing. Allele origin: germline.
Comment: The p.P938L variant (also known as c.2813C>T), located in coding exon 16 of the PALLD gene, results from a C to T substitution at nucleotide position 2813. The proline at codon 938 is replaced by leucine, an amino acid with similar properties. This amino acid position is conserved. In addition, this alteration is predicted to be deleterious by in silico analysis. Since supporting evidence is limited at this time, the clinical significance of this alteration remains unclear.

Labcorp Genetics (formerly Invitae), Labcorp
Classification: Uncertain significance for Pancreatic adenocarcinoma. Last evaluated: 2014-06-17. Review status: criteria provided, single submitter. Criteria: Invitae Variant Classification Sherloc (09022015). Collection method: clinical testing. Allele origin: germline.
Comment: This sequence change has not been reported in affected patients and has not been reported as a common polymorphism in the population. Algorithms developed to predict the effect of missense changes on protein structure and function (SIFT, MutationTaster, AlignGVGD) suggest that this sequence change is likely to be disruptive, but these predictions have not been confirmed by functional studies.